The following is an entry in ClinVar:

NM_001388303.1(HECTD4):c.2016_2017delinsAAATCTTCTTGCCACCAACCCC (p.Asn680fs)

Gene: HECTD4 (HECT domain E3 ubiquitin protein ligase 4; minus strand). Cytogenetic location: 12q24.13.
Variant type: Indel.
Coding change: c.2016_2017delinsAAATCTTCTTGCCACCAACCCC on transcript NM_001388303.1 (MANE Select); coding-DNA positions 2016 to 2017, CA replaced by AAATCTTCTTGCCACCAACCCC.
Protein change: p.Asn680fs; shifts the reading frame from asparagine 680.
Molecular consequence: frameshift variant.
Genome position (GRCh38, 1-based): chr12:112,270,385-112,270,386, TG replaced by GGGGTTGGTGGCAAGAAGATTT on the plus strand (CA replaced by AAATCTTCTTGCCACCAACCCC on the coding strand, the reverse complement: HECTD4 is on the minus strand). VCF-style: chr12-112270385-TG-GGGGTTGGTGGCAAGAAGATTT. GRCh37 (hg19) VCF-style: chr12-112708189-TG-GGGGTTGGTGGCAAGAAGATTT.
Other names: c.2016_2017delinsAAATCTTCTTGCCACCAACCCC, p.Asn680fs (NM_001109662.4); short protein forms N680fs.
Identifiers: ClinVar variation 4879795 (VCV004879795.1).

ClinVar aggregate classification (germline): Pathogenic (1 of 4 stars; one submission).

Conditions:
Neurodevelopmental disorder with seizures, spasticity, and complete or partial agenesis of the corpus callosum (NEDSSCC). Identifiers: MedGen C5830296, MONDO:0859516, OMIM 620250.

Submission:

Victorian Clinical Genetics Services, Murdoch Childrens Research Institute
Classification: Pathogenic for Neurodevelopmental disorder with seizures, spasticity, and complete or partial agenesis of the corpus callosum. Last evaluated: 2026-02-17. Review status: criteria provided, single submitter. Criteria: ACMG Guidelines, 2015. Collection method: clinical testing. Allele origin: germline. Affected: yes.
Comment: This variant is classified as Pathogenic. Evidence in support of pathogenic classification: Variant is predicted to cause nonsense-mediated decay (NMD) and loss of protein (premature termination codon is located at least 54 nucleotides upstream of the final exon-exon junction); Variant is absent from gnomAD (v2, v3 and v4); Other NMD-predicted variants comparable to the one identified in this case have strong previous evidence for pathogenicity. Two NMD-predicted variants have been classified as likely pathogenic and one classified as pathogenic by clinical laboratories in ClinVar. Three additional NMD-predicted variants have been reported in individuals with neurodevelopmental disorder with seizures, spasticity, and complete or partial agenesis of the corpus callosum (PMID: 36401616). Additional information: This variant is heterozygous; This gene is associated with autosomal recessive disease; This variant has no previous evidence of pathogenicity; No published evidence of segregation with disease has been identified for this variant; No published functional evidence has been identified for this variant; Loss of function is a likely mechanism of disease in this gene and is associated with neurodevelopmental disorder with seizures, spasticity, and complete or partial agenesis of the corpus callosum (MIM#620250).

Literature cited by the submitters: PubMed 36401616.